The following is an entry in ClinVar:

ClinVar aggregate classification (germline): Uncertain significance (1 of 4 stars; one submission).

Allele frequency attached by ClinVar (database versions not stated): gnomAD exomes below 0.00001.
gnomAD v4.1: 3 of 1,614,052 alleles (0.00019%); highest among the groups gnomAD compares: Non-Finnish European, 0.00025%; no homozygotes.

Submission:

Labcorp Genetics (formerly Invitae), Labcorp
Classification: Uncertain significance. Last evaluated: 2021-09-18. Review status: criteria provided, single submitter. Criteria: Invitae Variant Classification Sherloc (09022015). Collection method: clinical testing. Allele origin: germline.
Comment: This variant is not present in population databases (ExAC no frequency). In summary, the available evidence is currently insufficient to determine the role of this variant in disease. Therefore, it has been classified as a Variant of Uncertain Significance. Algorithms developed to predict the effect of missense changes on protein structure and function are either unavailable or do not agree on the potential impact of this missense change (SIFT: "Deleterious"; PolyPhen-2: "Possibly Damaging"; Align-GVGD: "Class C0"). This variant has not been reported in the literature in individuals affected with EXTL3-related conditions. This sequence change replaces arginine with glutamine at codon 858 of the EXTL3 protein (p.Arg858Gln). The arginine residue is highly conserved and there is a small physicochemical difference between arginine and glutamine.

NM_001440.4(EXTL3):c.2573G>A (p.Arg858Gln)

Gene: EXTL3 (exostosin like glycosyltransferase 3; plus strand). Cytogenetic location: 8p21.1.
Variant type: single nucleotide variant.
Coding change: c.2573G>A on transcript NM_001440.4 (MANE Select); coding-DNA position 2573, G replaced by A.
Protein change: p.Arg858Gln; replaces arginine 858 with glutamine.
Molecular consequence: missense variant. On other transcripts: non-coding transcript variant (1).
Genome position (GRCh38, 1-based): chr8:28,750,679, G>A. VCF-style: chr8-28750679-G-A. GRCh37 (hg19) VCF-style: chr8-28608196-G-A.
Other names: short protein forms R858Q.
Identifiers: ClinVar variation 1346643 (VCV001346643.6), dbSNP rs2130806093, ClinGen allele CA370850230.
Genomic context (GRCh38, chr8:28,750,679, plus strand): 5'-GCTGGGATTCCCACTCTGTCTCTCTCTCCCGTTTCCAGGTGACCTCACGGTGGACATTCC[G>A]ATGCCCAGGATGCCCTCAGGCCCTGTCTCATGATGACTCCCACTTCCACGAGCGGCACAA-3'
Protein context (NP_001431.1, residues 848-868): PIKVTSRWTF[Arg858Gln]CPGCPQALSH